The following is an entry in ClinVar:

NM_017999.5(RNF31):c.2227G>T (p.Val743Leu)

Gene: RNF31 (ring finger protein 31; plus strand). Cytogenetic location: 14q12.
Variant type: single nucleotide variant.
Coding change: c.2227G>T on transcript NM_017999.5 (MANE Select); coding-DNA position 2227, G replaced by T.
Protein change: p.Val743Leu; replaces valine 743 with leucine.
Molecular consequence: missense variant.
Genome position (GRCh38, 1-based): chr14:24,155,253, G>T. VCF-style: chr14-24155253-G-T. GRCh37 (hg19) VCF-style: chr14-24624462-G-T.
Other names: c.1774G>T, p.Val592Leu (NM_001310332.2); short protein forms V592L, V743L.
Identifiers: ClinVar variation 4714389 (VCV004714389.1).

ClinVar aggregate classification (germline): Uncertain significance (1 of 4 stars; one submission).

Submission:

Labcorp Genetics (formerly Invitae), Labcorp
Classification: Uncertain significance. Last evaluated: 2025-04-03. Review status: criteria provided, single submitter. Criteria: Invitae Variant Classification Sherloc (09022015). Collection method: clinical testing. Allele origin: germline.
Comment: This sequence change replaces valine, which is neutral and non-polar, with leucine, which is neutral and non-polar, at codon 743 of the RNF31 protein (p.Val743Leu). This variant is not present in population databases (gnomAD no frequency). This variant has not been reported in the literature in individuals affected with RNF31-related conditions. An algorithm developed to predict the effect of missense changes on protein structure and function (PolyPhen-2) suggests that this variant is likely to be tolerated. In summary, the available evidence is currently insufficient to determine the role of this variant in disease. Therefore, it has been classified as a Variant of Uncertain Significance.